The following is an entry in ClinVar:

ClinVar aggregate classification (germline): Benign/Likely benign. Review status: criteria provided, multiple submitters, no conflicts (2 of 4 stars). 7 submissions from 7 submitters: Benign (4); Likely benign (1). 2 of the submissions do not count toward it. Last evaluated 2026-09-01.

Allele frequency attached by ClinVar (database versions not stated): 1000 Genomes Project 30x 0.00156; 1000 Genomes Project 0.00200; TOPMed 0.00346; gnomAD 0.00421; ESP Exome Variant Server 0.00431.
gnomAD v4.1: 7,925 of 1,613,562 alleles (0.49%); highest among the groups gnomAD compares: Non-Finnish European, 0.6%; 33 homozygotes.

Submissions (7):

CeGaT Center for Human Genetics Tuebingen
Classification: Benign. Last evaluated: 2026-09-01. Review status: criteria provided, single submitter. Criteria: CeGaT Center For Human Genetics Tuebingen Variant Classification Criteria Version 2. Collection method: clinical testing. Allele origin: germline. Affected: yes. Observed: 40 variant alleles.
Comment: MTOR: BP4, BP7, BS1, BS2

Labcorp Genetics (formerly Invitae), Labcorp
Classification: Benign. Last evaluated: 2026-02-03. Review status: criteria provided, single submitter. Criteria: Invitae Variant Classification Sherloc (09022015). Collection method: clinical testing. Allele origin: germline.

Blueprint Genetics
Classification: Likely benign. Last evaluated: 2024-11-22. Review status: criteria provided, single submitter. Criteria: ACMG Guidelines, 2015. Collection method: clinical testing. Allele origin: germline.

GeneDx
Classification: Benign. Last evaluated: 2018-10-31. Review status: criteria provided, single submitter. Criteria: GeneDx Variant Classification (06012015). Collection method: clinical testing. Allele origin: germline. Affected: yes.

Breakthrough Genomics
Classification: Benign. Review status: criteria provided, single submitter. Criteria: ACMG Guidelines, 2015. Collection method: not provided. Allele origin: germline. Inheritance: Autosomal dominant inheritance. Affected: yes.

Clinical Genetics DNA and cytogenetics Diagnostics Lab, Erasmus MC, Erasmus Medical Center
Classification: Likely benign. Review status: no assertion criteria provided. Collection method: clinical testing. Allele origin: germline. Affected: yes. Study: VKGL Data-share Consensus. Not counted in ClinVar's aggregate classification.

Clinical Genetics, Academic Medical Center
Classification: Benign. Review status: no assertion criteria provided. Collection method: clinical testing. Allele origin: germline. Affected: yes. Study: VKGL Data-share Consensus. Not counted in ClinVar's aggregate classification.

NM_004958.4(MTOR):c.510G>C (p.Leu170=)

Gene: MTOR (mechanistic target of rapamycin kinase; minus strand). Cytogenetic location: 1p36.22.
Variant type: single nucleotide variant.
Coding change: c.510G>C on transcript NM_004958.4 (MANE Select); coding-DNA position 510, G replaced by C.
Protein change: p.Leu170=; no amino-acid change (leucine 170 retained).
Molecular consequence: synonymous variant.
Genome position (GRCh38, 1-based): chr1:11,256,187, C>G on the plus strand (G>C on the coding strand, the complement: MTOR is on the minus strand). VCF-style: chr1-11256187-C-G. GRCh37 (hg19) VCF-style: chr1-11316244-C-G.
Identifiers: ClinVar variation 695385 (VCV000695385.46), dbSNP rs12120294, ClinGen allele CA590916.